The following is an entry in ClinVar:

NM_005909.5(MAP1B):c.1855G>A (p.Glu619Lys)

Gene: MAP1B (microtubule associated protein 1B; plus strand). Cytogenetic location: 5q13.2.
Variant type: single nucleotide variant.
Coding change: c.1855G>A on transcript NM_005909.5 (MANE Select); coding-DNA position 1855, G replaced by A.
Protein change: p.Glu619Lys; replaces glutamic acid 619 with lysine.
Molecular consequence: missense variant.
Genome position (GRCh38, 1-based): chr5:72,195,210, G>A. VCF-style: chr5-72195210-G-A. GRCh37 (hg19) VCF-style: chr5-71491037-G-A.
Other names: c.1477G>A, p.Glu493Lys (NM_001324255.2); short protein forms E493K, E619K.
Identifiers: ClinVar variation 3905479 (VCV003905479.10).

ClinVar aggregate classification (germline): Likely benign (1 of 4 stars; one submission).

Submission:

CeGaT Center for Human Genetics Tuebingen
Classification: Likely benign. Last evaluated: 2025-05-01. Review status: criteria provided, single submitter. Criteria: CeGaT Center For Human Genetics Tuebingen Variant Classification Criteria Version 2. Collection method: clinical testing. Allele origin: germline. Affected: yes. Observed: 1 variant allele.
Comment: MAP1B: BP4